The following is an entry in ClinVar:

NM_001003841.3(SLC6A19):c.1118C>T (p.Ala373Val)

Gene: SLC6A19 (solute carrier family 6 member 19; plus strand). Cytogenetic location: 5p15.33.
Variant type: single nucleotide variant.
Coding change: c.1118C>T on transcript NM_001003841.3 (MANE Select); coding-DNA position 1118, C replaced by T.
Protein change: p.Ala373Val; replaces alanine 373 with valine.
Molecular consequence: missense variant.
Genome position (GRCh38, 1-based): chr5:1,216,890, C>T. VCF-style: chr5-1216890-C-T. GRCh37 (hg19) VCF-style: chr5-1217005-C-T.
Other names: short protein forms A373V.
Identifiers: ClinVar variation 1906923 (VCV001906923.6), dbSNP rs770356208, ClinGen allele CA3183045.

ClinVar aggregate classification (germline): Uncertain significance. Review status: criteria provided, multiple submitters, no conflicts (2 of 4 stars). 2 submissions from 2 submitters: Uncertain significance (2). Last evaluated 2024-02-19.

Conditions:
Neutral 1 amino acid transport defect (HND). Also called: HARTNUP DISORDER; Hartnup disease. Identifiers: Orphanet 2116, MedGen C0018609, MONDO:0009324, OMIM 234500.

Allele frequency attached by ClinVar (database versions not stated): ExAC 0.00002; gnomAD 0.00002; TOPMed 0.00002.
gnomAD v4.1: 39 of 1,613,542 alleles (0.0024%); highest among the groups gnomAD compares: Admixed American, 0.0067%; no homozygotes.

Submissions (2):

Fulgent Genetics
Classification: Uncertain significance for Neutral 1 amino acid transport defect. Last evaluated: 2024-02-19. Review status: criteria provided, single submitter. Criteria: ACMG Guidelines, 2015. Collection method: clinical testing. Allele origin: germline.

Labcorp Genetics (formerly Invitae), Labcorp
Classification: Uncertain significance. Last evaluated: 2023-07-17. Review status: criteria provided, single submitter. Criteria: Invitae Variant Classification Sherloc (09022015). Collection method: clinical testing. Allele origin: germline.
Comment: ClinVar contains an entry for this variant (Variation ID: 1906923). This variant has not been reported in the literature in individuals affected with SLC6A19-related conditions. This variant is present in population databases (rs770356208, gnomAD 0.009%). This sequence change replaces alanine, which is neutral and non-polar, with valine, which is neutral and non-polar, at codon 373 of the SLC6A19 protein (p.Ala373Val). Advanced modeling of protein sequence and biophysical properties (such as structural, functional, and spatial information, amino acid conservation, physicochemical variation, residue mobility, and thermodynamic stability) performed at Invitae indicates that this missense variant is not expected to disrupt SLC6A19 protein function. In summary, the available evidence is currently insufficient to determine the role of this variant in disease. Therefore, it has been classified as a Variant of Uncertain Significance.